The following is an entry in ClinVar:

ClinVar aggregate classification (germline): Uncertain significance (1 of 4 stars; one submission).

Conditions:
Cornelia de Lange syndrome 1 (CDLS1). Also called: TYPUS DEGENERATIVUS AMSTELODAMENSIS; Brachmann de Lange syndrome; NIPBL-Related Cornelia de Lange Syndrome. Identifiers: Orphanet 199, MedGen C4551851, MONDO:0007387, OMIM 122470.

Allele frequency attached by ClinVar (database versions not stated): gnomAD exomes below 0.00001.
gnomAD v4.1: 1 of 1,614,028 alleles (0.000062%); highest among the groups gnomAD compares: Non-Finnish European, 0.000085%; no homozygotes.

Submission:

Labcorp Genetics (formerly Invitae), Labcorp
Classification: Uncertain significance for Cornelia de Lange syndrome 1. Last evaluated: 2022-10-05. Review status: criteria provided, single submitter. Criteria: Invitae Variant Classification Sherloc (09022015). Collection method: clinical testing. Allele origin: germline.
Comment: This sequence change replaces proline, which is neutral and non-polar, with leucine, which is neutral and non-polar, at codon 2484 of the NIPBL protein (p.Pro2484Leu). In summary, the available evidence is currently insufficient to determine the role of this variant in disease. Therefore, it has been classified as a Variant of Uncertain Significance. Advanced modeling of protein sequence and biophysical properties (such as structural, functional, and spatial information, amino acid conservation, physicochemical variation, residue mobility, and thermodynamic stability) performed at Invitae indicates that this missense variant is not expected to disrupt NIPBL protein function. This variant has not been reported in the literature in individuals affected with NIPBL-related conditions. This variant is not present in population databases (gnomAD no frequency).

NM_133433.4(NIPBL):c.7451C>T (p.Pro2484Leu)

Gene: NIPBL (NIPBL cohesin loading factor; plus strand). Cytogenetic location: 5p13.2.
Variant type: single nucleotide variant.
Coding change: c.7451C>T on transcript NM_133433.4 (MANE Select); coding-DNA position 7451, C replaced by T.
Protein change: p.Pro2484Leu; replaces proline 2484 with leucine.
Molecular consequence: missense variant.
Genome position (GRCh38, 1-based): chr5:37,058,931, C>T. VCF-style: chr5-37058931-C-T. GRCh37 (hg19) VCF-style: chr5-37059033-C-T.
Other names: c.7451C>T, p.Pro2484Leu (NM_015384.5); short protein forms P2484L.
Identifiers: ClinVar variation 1719310 (VCV001719310.5), dbSNP rs2478715609, ClinGen allele CA359515446.
Genomic context (GRCh38, chr5:37,058,931, plus strand): 5'-CAAACGATTTTTTCTTTCAGTCTATGGTAAAGGACAAAAGGAAAGAGAGAAAATCATCAC[C>T]TAGTAAGGAAAATGAGTCAAGCGACAGTGAAGAAGAAGTTTCCAGGCCTCGGAAGTCACG-3'
Protein context (NP_597677.2, residues 2474-2494): KDKRKERKSS[Pro2484Leu]SKENESSDSE